The following is an entry in ClinVar:

ClinVar aggregate classification (germline): Likely benign (1 of 4 stars; one submission).

Conditions:
SLC39A4-related disorder. Also called: SLC39A4-related condition.

Submission:

PreventionGenetics, part of Exact Sciences
Classification: Likely benign for SLC39A4-related condition. Last evaluated: 2024-12-13. Review status: criteria provided, single submitter. Criteria: ACMG Guidelines, 2015. Collection method: clinical testing. Allele origin: germline.
Comment: This variant is classified as likely benign based on ACMG/AMP sequence variant interpretation guidelines (Richards et al. 2015 PMID: 25741868, with internal and published modifications).

NM_130849.4(SLC39A4):c.193-77G>A

Gene: SLC39A4 (solute carrier family 39 member 4; minus strand). Cytogenetic location: 8q24.3.
Variant type: single nucleotide variant.
Coding change: c.193-77G>A on transcript NM_130849.4 (MANE Select); 77 bases into the intron before coding-DNA position 193, G replaced by A.
Molecular consequence: intron variant. On other transcripts: missense variant (1).
Genome position (GRCh38, 1-based): chr8:144,416,168, C>T on the plus strand (G>A on the coding strand, the complement: SLC39A4 is on the minus strand). VCF-style: chr8-144416168-C-T. GRCh37 (hg19) VCF-style: chr8-145641552-C-T.
Other names: c.41G>A, p.Arg14Gln (NM_017767.3); c.192+430G>A (NM_001374839.1); short protein forms R14Q.
Identifiers: ClinVar variation 4986196 (VCV004986196.1).
Genomic context (GRCh38, chr8:144,416,168, plus strand): 5'-GTGAGCAGGGGCGCTGGGCCCACCAGGGAGGGGAGAGGCAGGCCTGGCCAGGGGCTTCCC[C>T]GAGGGCCTGTTTCCCTTTCAAGTCCAACAACGTCCACCATCCTCTCTCAACCCCTGGCGC-3'